The following is an entry in ClinVar:

NM_001382.4(DPAGT1):c.361C>T (p.Arg121Cys)

Gene: DPAGT1 (dolichyl-phosphate N-acetylglucosaminephosphotransferase 1; minus strand). Cytogenetic location: 11q23.3.
Variant type: single nucleotide variant.
Coding change: c.361C>T on transcript NM_001382.4 (MANE Select); coding-DNA position 361, C replaced by T.
Protein change: p.Arg121Cys; replaces arginine 121 with cysteine.
Molecular consequence: missense variant.
Genome position (GRCh38, 1-based): chr11:119,100,765, G>A on the plus strand (C>T on the coding strand, the complement: DPAGT1 is on the minus strand). VCF-style: chr11-119100765-G-A. GRCh37 (hg19) VCF-style: chr11-118971475-G-A.
Other names: short protein forms R121C.
Identifiers: ClinVar variation 572825 (VCV000572825.7), dbSNP rs746187785, ClinGen allele CA6314644.

ClinVar aggregate classification (germline): Conflicting classifications of pathogenicity. Review status: criteria provided, conflicting classifications (1 of 4 stars). 2 submissions from 2 submitters: Likely pathogenic (1); Uncertain significance (1). Last evaluated 2021-08-12.

Conditions:
DPAGT1-congenital disorder of glycosylation. Also called: DPAGT1-CDG; CDG Ij; CONGENITAL DISORDER OF GLYCOSYLATION, TYPE Ij. Identifiers: Orphanet 86309, MedGen C2931004, MONDO:0011964, OMIM 608093.
Congenital myasthenic syndrome 13 (CMS13). Also called: Myasthenic syndrome, congenital, 13, with tubular aggregates; Myasthenic syndrome, congenital, with tubular aggregates 2. Identifiers: Orphanet 353327, Orphanet 590, MedGen C3553645, MONDO:0013883, OMIM 614750.

Allele frequency attached by ClinVar (database versions not stated): gnomAD 0.00001; TOPMed 0.00001; ExAC 0.00002; gnomAD exomes 0.00002 and 0.00005.
gnomAD v4.1: 75 of 1,614,040 alleles (0.0046%); highest among the groups gnomAD compares: Middle Eastern, 0.016%; no homozygotes.

Submissions (2):

Labcorp Genetics (formerly Invitae), Labcorp
Classification: Uncertain significance for Congenital myasthenic syndrome 13; DPAGT1-congenital disorder of glycosylation. Last evaluated: 2021-08-12. Review status: criteria provided, single submitter. Criteria: Invitae Variant Classification Sherloc (09022015). Collection method: clinical testing. Allele origin: germline.
Comment: This sequence change replaces arginine with cysteine at codon 121 of the DPAGT1 protein (p.Arg121Cys). The arginine residue is highly conserved and there is a large physicochemical difference between arginine and cysteine. This variant is present in population databases (rs746187785, ExAC 0.005%). This missense change has been observed in individual(s) with clinical features of DPAGT1-related conditions (Invitae). Algorithms developed to predict the effect of missense changes on protein structure and function (SIFT, PolyPhen-2, Align-GVGD) all suggest that this variant is likely to be disruptive. In summary, the available evidence is currently insufficient to determine the role of this variant in disease. Therefore, it has been classified as a Variant of Uncertain Significance.

Laboratory of Medical Genetics, National & Kapodistrian University of Athens
Classification: Likely pathogenic for Congenital myasthenic syndrome 13. Last evaluated: 2021-08-10. Review status: criteria provided, single submitter. Criteria: ACMG Guidelines, 2015. Collection method: clinical testing. Allele origin: paternal. Affected: yes.
Comment: PM2, PM3, PM5, PP2, PP3